The following is an entry in ClinVar:

NM_018489.3(ASH1L):c.8576T>C (p.Ile2859Thr)

Gene: ASH1L (ASH1 like histone lysine methyltransferase; minus strand). Cytogenetic location: 1q22.
Variant type: single nucleotide variant.
Coding change: c.8576T>C on transcript NM_018489.3 (MANE Select); coding-DNA position 8576, T replaced by C.
Protein change: p.Ile2859Thr; replaces isoleucine 2859 with threonine.
Molecular consequence: missense variant.
Genome position (GRCh38, 1-based): chr1:155,338,316, A>G on the plus strand (T>C on the coding strand, the complement: ASH1L is on the minus strand). VCF-style: chr1-155338316-A-G. GRCh37 (hg19) VCF-style: chr1-155308107-A-G.
Other names: c.8591T>C, p.Ile2864Thr (NM_001366177.2); short protein forms I2859T, I2864T.
Identifiers: ClinVar variation 4538943 (VCV004538943.1).
Genomic context (GRCh38, chr1:155,338,316, plus strand): 5'-GGCTCCTCCAGGCTGGGTATCTCATTGGCTGCTTGCTCTTGACTGGCTAGAACCTCTTCA[A>G]TCAAGGGTAGAGCATCATCCTCCTGGCCCAAGTCTTTTAGGGGTGGCTTTGAGCGCTCAG-3'
Protein context (NP_060959.2, residues 2849-2869): LGQEDDALPL[Ile2859Thr]EEVLASQEQA

ClinVar aggregate classification (germline): Uncertain significance (1 of 4 stars; one submission).

Submission:

GeneDx
Classification: Uncertain significance. Last evaluated: 2025-06-18. Review status: criteria provided, single submitter. Criteria: GeneDx Variant Classification Process June 2021. Collection method: clinical testing. Allele origin: germline. Affected: yes.
Comment: Not observed at significant frequency in large population cohorts (gnomAD); In silico analysis suggests that this missense variant does not alter protein structure/function; Has not been previously published as pathogenic or benign to our knowledge